The following is an entry in ClinVar:

NM_206933.4(USH2A):c.13079G>A (p.Ser4360Asn)

Gene: USH2A (usherin; minus strand). Cytogenetic location: 1q41.
Variant type: single nucleotide variant.
Coding change: c.13079G>A on transcript NM_206933.4 (MANE Select); coding-DNA position 13079, G replaced by A.
Protein change: p.Ser4360Asn; replaces serine 4360 with asparagine.
Molecular consequence: missense variant.
Genome position (GRCh38, 1-based): chr1:215,674,832, C>T on the plus strand (G>A on the coding strand, the complement: USH2A is on the minus strand). VCF-style: chr1-215674832-C-T. GRCh37 (hg19) VCF-style: chr1-215848174-C-T.
Other names: short protein forms S4360N.
Identifiers: ClinVar variation 1041274 (VCV001041274.6), dbSNP rs1657949687, ClinGen allele CA344846669.

ClinVar aggregate classification (germline): Uncertain significance (1 of 4 stars; one submission).

Submission:

Labcorp Genetics (formerly Invitae), Labcorp
Classification: Uncertain significance. Last evaluated: 2022-07-05. Review status: criteria provided, single submitter. Criteria: Invitae Variant Classification Sherloc (09022015). Collection method: clinical testing. Allele origin: germline.
Comment: This sequence change replaces serine, which is neutral and polar, with asparagine, which is neutral and polar, at codon 4360 of the USH2A protein (p.Ser4360Asn). This variant is not present in population databases (gnomAD no frequency). This variant has not been reported in the literature in individuals affected with USH2A-related conditions. ClinVar contains an entry for this variant (Variation ID: 1041274). Algorithms developed to predict the effect of missense changes on protein structure and function output the following: SIFT: "Tolerated"; PolyPhen-2: "Benign"; Align-GVGD: "Class C0". The asparagine amino acid residue is found in multiple mammalian species, which suggests that this missense change does not adversely affect protein function. In summary, the available evidence is currently insufficient to determine the role of this variant in disease. Therefore, it has been classified as a Variant of Uncertain Significance.